The following is an entry in ClinVar:

ClinVar aggregate classification (germline): Uncertain significance (1 of 4 stars; one submission).

Submission:

GeneDx
Classification: Uncertain significance. Last evaluated: 2026-10-02. Review status: criteria provided, single submitter. Criteria: GeneDx Variant Classification Process June 2021. Collection method: clinical testing. Allele origin: germline.
Comment: Not observed at significant frequency in large population cohorts (gnomAD); In silico analysis suggests that this missense variant does not alter protein structure/function; Has not been previously published as pathogenic or benign to our knowledge

NM_001083619.3(GRIA2):c.1080A>G (p.Ile360Met)

Gene: GRIA2 (glutamate ionotropic receptor AMPA type subunit 2; plus strand). Cytogenetic location: 4q32.1.
Variant type: single nucleotide variant.
Coding change: c.1080A>G on transcript NM_001083619.3 (MANE Select); coding-DNA position 1080, A replaced by G.
Protein change: p.Ile360Met; replaces isoleucine 360 with methionine.
Molecular consequence: missense variant.
Genome position (GRCh38, 1-based): chr4:157,333,278, A>G. VCF-style: chr4-157333278-A-G. GRCh37 (hg19) VCF-style: chr4-158254430-A-G.
Other names: c.1080A>G, p.Ile360Met (NM_000826.6); c.939A>G, p.Ile313Met (NM_001083620.3, NM_001379000.3, NM_001379001.3); short protein forms I313M, I360M.
Identifiers: ClinVar variation 4056939 (VCV004056939.2).